The following is an entry in ClinVar:

NM_001163435.3(TBCK):c.2T>C (p.Met1Thr)

Gene: TBCK (TBC1 domain containing kinase; minus strand). Cytogenetic location: 4q24.
Variant type: single nucleotide variant.
Coding change: c.2T>C on transcript NM_001163435.3 (MANE Select); coding-DNA position 2, T replaced by C.
Protein change: p.Met1Thr; changes the start codon (methionine 1).
Molecular consequence: missense variant, initiator codon variant. On other transcripts: 5 prime UTR variant (1).
Genome position (GRCh38, 1-based): chr4:106,308,959, A>G on the plus strand (T>C on the coding strand, the complement: TBCK is on the minus strand). VCF-style: chr4-106308959-A-G. GRCh37 (hg19) VCF-style: chr4-107230116-A-G.
Other names: c.2T>C, p.Met1Thr (NM_001163436.4, NM_001163437.3, NM_033115.5); c.-616T>C (NM_001290768.2); short protein forms M1T.
Identifiers: ClinVar variation 1958371 (VCV001958371.3), dbSNP rs778702427, ClinGen allele CA3035563.

ClinVar aggregate classification (germline): Uncertain significance (1 of 4 stars; one submission).

Allele frequency attached by ClinVar (database versions not stated): ExAC 0.00001; gnomAD 0.00001; gnomAD exomes 0.00001.

Submission:

Labcorp Genetics (formerly Invitae), Labcorp
Classification: Uncertain significance. Last evaluated: 2022-07-23. Review status: criteria provided, single submitter. Criteria: Invitae Variant Classification Sherloc (09022015). Collection method: clinical testing. Allele origin: germline.
Comment: This sequence change affects the initiator methionine of the TBCK mRNA. The next in-frame methionine is located at codon 9. This variant is present in population databases (rs778702427, gnomAD 0.02%). This variant has not been reported in the literature in individuals affected with TBCK-related conditions. Experimental studies and prediction algorithms are not available or were not evaluated, and the functional significance of this variant is currently unknown. In summary, the available evidence is currently insufficient to determine the role of this variant in disease. Therefore, it has been classified as a Variant of Uncertain Significance.